The following is an entry in ClinVar:

NM_000651.6(CR1):c.6908A>G (p.Lys2303Arg)

Gene: CR1 (complement C3b/C4b receptor 1 (Knops blood group); plus strand). Cytogenetic location: 1q32.2.
Variant type: single nucleotide variant.
Coding change: c.6908A>G on transcript NM_000651.6 (MANE Select); coding-DNA position 6908, A replaced by G.
Protein change: p.Lys2303Arg; replaces lysine 2303 with arginine.
Molecular consequence: missense variant.
Genome position (GRCh38, 1-based): chr1:207,618,089, A>G. VCF-style: chr1-207618089-A-G. GRCh37 (hg19) VCF-style: chr1-207791434-A-G.
Other names: NC_000001.10:g.207791434A>G; c.6908A>G (NM_000651.4); c.5558A>G, p.Lys1853Arg (NM_000573.4, NM_001381851.1); short protein forms K1853R, K2303R.
Identifiers: ClinVar variation 3024752 (VCV003024752.24), dbSNP rs41274770, ClinGen allele CA1370623.

ClinVar aggregate classification (germline): Benign. Review status: criteria provided, single submitter (1 of 4 stars). 2 submissions from 2 submitters: Benign (1). 1 of the submissions does not count toward it. Last evaluated 2023-12-01.

Conditions:
CR1-related disorder. Also called: CR1-related condition.

Allele frequency attached by ClinVar (database versions not stated): 1000 Genomes Project 30x 0.00656; 1000 Genomes Project 0.00679; TOPMed 0.01306; gnomAD 0.01409; ESP Exome Variant Server 0.01458; ExAC 0.01530; gnomAD exomes 0.02004.
gnomAD v4.1: 31,202 of 1,613,430 alleles (1.9%); highest among the groups gnomAD compares: Non-Finnish European, 2.3%; 362 homozygotes.

Submissions (30):

CeGaT Center for Human Genetics Tuebingen
Classification: Benign. Last evaluated: 2023-12-01. Review status: criteria provided, single submitter. Criteria: CeGaT Center For Human Genetics Tuebingen Variant Classification Criteria Version 2. Collection method: clinical testing. Allele origin: germline. Affected: yes. Observed: 1 variant allele.
Comment: CR1: BP4, BS1, BS2

PreventionGenetics, part of Exact Sciences
Classification: Benign for CR1-related condition. Last evaluated: 2019-10-07. Review status: no assertion criteria provided. Collection method: clinical testing. Allele origin: germline. Not counted in ClinVar's aggregate classification.
Comment: This variant is classified as benign based on ACMG/AMP sequence variant interpretation guidelines (Richards et al. 2015 PMID: 25741868, with internal and published modifications).

Dr. Peter K. Rogan Lab, Western University
No classification provided (evidence only). Condition: Lung cancer. Review status: no classification provided. Collection method: in vitro. Allele origin: not applicable. Functional consequence: retained intron. Not counted in ClinVar's aggregate classification.

Dr. Peter K. Rogan Lab, Western University
No classification provided (evidence only). Condition: Lung cancer. Review status: no classification provided. Collection method: in vitro. Allele origin: not applicable. Functional consequence: retained intron. Not counted in ClinVar's aggregate classification.

Dr. Peter K. Rogan Lab, Western University
No classification provided (evidence only). Condition: Lung cancer. Review status: no classification provided. Collection method: in vitro. Allele origin: not applicable. Functional consequence: retained intron. Not counted in ClinVar's aggregate classification.

Dr. Peter K. Rogan Lab, Western University
No classification provided (evidence only). Condition: Melanoma. Review status: no classification provided. Collection method: in vitro. Allele origin: not applicable. Functional consequence: retained intron. Not counted in ClinVar's aggregate classification.

Dr. Peter K. Rogan Lab, Western University
No classification provided (evidence only). Condition: Melanoma. Review status: no classification provided. Collection method: in vitro. Allele origin: not applicable. Functional consequence: retained intron. Not counted in ClinVar's aggregate classification.

Dr. Peter K. Rogan Lab, Western University
No classification provided (evidence only). Condition: Acute myeloid leukemia. Review status: no classification provided. Collection method: in vitro. Allele origin: not applicable. Functional consequence: retained intron. Not counted in ClinVar's aggregate classification.

Dr. Peter K. Rogan Lab, Western University
No classification provided (evidence only). Condition: Thyroid cancer, nonmedullary, 1. Review status: no classification provided. Collection method: in vitro. Allele origin: not applicable. Functional consequence: retained intron. Not counted in ClinVar's aggregate classification.

Dr. Peter K. Rogan Lab, Western University
No classification provided (evidence only). Condition: Thyroid cancer, nonmedullary, 1. Review status: no classification provided. Collection method: in vitro. Allele origin: not applicable. Functional consequence: retained intron. Not counted in ClinVar's aggregate classification.

Dr. Peter K. Rogan Lab, Western University
No classification provided (evidence only). Condition: Uterine corpus endometrial carcinoma. Review status: no classification provided. Collection method: in vitro. Allele origin: not applicable. Functional consequence: retained intron. Not counted in ClinVar's aggregate classification.

Dr. Peter K. Rogan Lab, Western University
No classification provided (evidence only). Condition: Sarcoma. Review status: no classification provided. Collection method: in vitro. Allele origin: not applicable. Functional consequence: retained intron. Not counted in ClinVar's aggregate classification.

Dr. Peter K. Rogan Lab, Western University
No classification provided (evidence only). Condition: Sarcoma. Review status: no classification provided. Collection method: in vitro. Allele origin: not applicable. Functional consequence: retained intron. Not counted in ClinVar's aggregate classification.

Dr. Peter K. Rogan Lab, Western University
No classification provided (evidence only). Condition: Malignant lymphoma, large B-cell, diffuse. Review status: no classification provided. Collection method: in vitro. Allele origin: not applicable. Functional consequence: retained intron. Not counted in ClinVar's aggregate classification.

Dr. Peter K. Rogan Lab, Western University
No classification provided (evidence only). Condition: Hepatocellular carcinoma. Review status: no classification provided. Collection method: in vitro. Allele origin: not applicable. Functional consequence: retained intron. Not counted in ClinVar's aggregate classification.

Dr. Peter K. Rogan Lab, Western University
No classification provided (evidence only). Condition: Ovarian serous cystadenocarcinoma. Review status: no classification provided. Collection method: in vitro. Allele origin: not applicable. Functional consequence: retained intron. Not counted in ClinVar's aggregate classification.

Dr. Peter K. Rogan Lab, Western University
No classification provided (evidence only). Condition: Gastric cancer. Review status: no classification provided. Collection method: in vitro. Allele origin: not applicable. Functional consequence: retained intron. Not counted in ClinVar's aggregate classification.

Dr. Peter K. Rogan Lab, Western University
No classification provided (evidence only). Condition: Gastric cancer. Review status: no classification provided. Collection method: in vitro. Allele origin: not applicable. Functional consequence: retained intron. Not counted in ClinVar's aggregate classification.

Dr. Peter K. Rogan Lab, Western University
No classification provided (evidence only). Condition: Chronic lymphocytic leukemia/small lymphocytic lymphoma. Review status: no classification provided. Collection method: in vitro. Allele origin: not applicable. Functional consequence: retained intron. Not counted in ClinVar's aggregate classification.

Dr. Peter K. Rogan Lab, Western University
No classification provided (evidence only). Condition: Chronic lymphocytic leukemia/small lymphocytic lymphoma. Review status: no classification provided. Collection method: in vitro. Allele origin: not applicable. Functional consequence: retained intron. Not counted in ClinVar's aggregate classification.

Dr. Peter K. Rogan Lab, Western University
No classification provided (evidence only). Condition: Familial pancreatic carcinoma. Review status: no classification provided. Collection method: in vitro. Allele origin: not applicable. Functional consequence: retained intron. Not counted in ClinVar's aggregate classification.

Dr. Peter K. Rogan Lab, Western University
No classification provided (evidence only). Condition: Familial pancreatic carcinoma. Review status: no classification provided. Collection method: in vitro. Allele origin: not applicable. Functional consequence: retained intron. Not counted in ClinVar's aggregate classification.

Dr. Peter K. Rogan Lab, Western University
No classification provided (evidence only). Condition: Lymphoma. Review status: no classification provided. Collection method: in vitro. Allele origin: not applicable. Functional consequence: retained intron. Not counted in ClinVar's aggregate classification.

Dr. Peter K. Rogan Lab, Western University
No classification provided (evidence only). Condition: Lymphoma. Review status: no classification provided. Collection method: in vitro. Allele origin: not applicable. Functional consequence: retained intron. Not counted in ClinVar's aggregate classification.

Dr. Peter K. Rogan Lab, Western University
No classification provided (evidence only). Condition: Lymphoma. Review status: no classification provided. Collection method: in vitro. Allele origin: not applicable. Functional consequence: retained intron. Not counted in ClinVar's aggregate classification.

Dr. Peter K. Rogan Lab, Western University
No classification provided (evidence only). Condition: Lymphoma. Review status: no classification provided. Collection method: in vitro. Allele origin: not applicable. Functional consequence: retained intron. Not counted in ClinVar's aggregate classification.

Dr. Peter K. Rogan Lab, Western University
No classification provided (evidence only). Condition: Lymphoma. Review status: no classification provided. Collection method: in vitro. Allele origin: not applicable. Functional consequence: retained intron. Not counted in ClinVar's aggregate classification.

Dr. Peter K. Rogan Lab, Western University
No classification provided (evidence only). Condition: Lymphoma. Review status: no classification provided. Collection method: in vitro. Allele origin: not applicable. Functional consequence: retained intron. Not counted in ClinVar's aggregate classification.

Dr. Peter K. Rogan Lab, Western University
No classification provided (evidence only). Condition: Lymphoma. Review status: no classification provided. Collection method: in vitro. Allele origin: not applicable. Functional consequence: retained intron. Not counted in ClinVar's aggregate classification.

Dr. Peter K. Rogan Lab, Western University
No classification provided (evidence only). Condition: Ovarian cancer. Review status: no classification provided. Collection method: in vitro. Allele origin: not applicable. Functional consequence: retained intron. Not counted in ClinVar's aggregate classification.